The following is an entry in ClinVar:

ClinVar aggregate classification (germline): Uncertain significance (1 of 4 stars; one submission).

Conditions:
Propionic acidemia (PROP). Also called: GLYCINEMIA, KETOTIC; HYPERGLYCINEMIA WITH KETOACIDOSIS AND LEUKOPENIA; KETOTIC HYPERGLYCINEMIA. Identifiers: Orphanet 35, MedGen C0268579, MONDO:0011628, OMIM 606054, HP:0003571.

Submission:

Labcorp Genetics (formerly Invitae), Labcorp
Classification: Uncertain significance for Propionic acidemia. Last evaluated: 2021-08-13. Review status: criteria provided, single submitter. Criteria: Invitae Variant Classification Sherloc (09022015). Collection method: clinical testing. Allele origin: germline.
Comment: This sequence change replaces glutamic acid with glutamine at codon 302 of the PCCA protein (p.Glu302Gln). The glutamic acid residue is highly conserved and there is a small physicochemical difference between glutamic acid and glutamine. This variant is not present in population databases (ExAC no frequency). This variant has not been reported in the literature in individuals affected with PCCA-related conditions. Algorithms developed to predict the effect of missense changes on protein structure and function are either unavailable or do not agree on the potential impact of this missense change (SIFT: "Deleterious"; PolyPhen-2: "Probably Damaging"; Align-GVGD: "Class C0"). In summary, the available evidence is currently insufficient to determine the role of this variant in disease. Therefore, it has been classified as a Variant of Uncertain Significance.

NM_000282.4(PCCA):c.904G>C (p.Glu302Gln)

Gene: PCCA (propionyl-CoA carboxylase subunit alpha; plus strand). Cytogenetic location: 13q32.3.
Variant type: single nucleotide variant.
Coding change: c.904G>C on transcript NM_000282.4 (MANE Select); coding-DNA position 904, G replaced by C.
Protein change: p.Glu302Gln; replaces glutamic acid 302 with glutamine.
Molecular consequence: missense variant. On other transcripts: 5 prime UTR variant (3), non-coding transcript variant (5).
Genome position (GRCh38, 1-based): chr13:100,268,773, G>C. VCF-style: chr13-100268773-G-C. GRCh37 (hg19) VCF-style: chr13-100921027-G-C.
Other names: c.826G>C, p.Glu276Gln (NM_001127692.3, NM_001352607.2, NM_001352608.2); c.904G>C, p.Glu302Gln (NM_001178004.2, NM_001352605.2, NM_001352606.2 and 1 more transcripts); c.-42G>C (NM_001352610.2, NM_001352611.2, NM_001352612.2); short protein forms E276Q, E302Q.
Identifiers: ClinVar variation 845962 (VCV000845962.6), dbSNP rs775686458, ClinGen allele CA388694636.
Genomic context (GRCh38, chr13:100,268,773, plus strand): 5'-GCTTTATGGCTTAATGAAAGAGAGTGCTCAATTCAGAGAAGAAATCAGAAGGTGGTGGAG[G>C]AAGCACCAAGGTAAGTCTCCTAAGAAACATTTATAAAGCGGCTGCTTTTATGCATTTCAT-3'
Protein context (NP_000273.2, residues 292-312): IQRRNQKVVE[Glu302Gln]APSIFLDAET